The following is an entry in ClinVar:

ClinVar aggregate classification (germline): Benign (1 of 4 stars; one submission).

Allele frequency attached by ClinVar (database versions not stated): 1000 Genomes Project 0.00240; 1000 Genomes Project 30x 0.00265; ESP Exome Variant Server 0.00320; ExAC 0.00412.
gnomAD v4.1: 7,020 of 1,612,730 alleles (0.44%); highest among the groups gnomAD compares: South Asian, 1.2%; 32 homozygotes.

Submission:

CeGaT Center for Human Genetics Tuebingen
Classification: Benign. Last evaluated: 2026-05-01. Review status: criteria provided, single submitter. Criteria: CeGaT Center For Human Genetics Tuebingen Variant Classification Criteria Version 2. Collection method: clinical testing. Allele origin: germline. Affected: yes. Observed: 3 variant alleles.
Comment: HECTD4: BP4, BP7, BS1, BS2

NM_001388303.1(HECTD4):c.11328G>A (p.Pro3776=)

Gene: HECTD4 (HECT domain E3 ubiquitin protein ligase 4; minus strand). Cytogenetic location: 12q24.13.
Variant type: single nucleotide variant.
Coding change: c.11328G>A on transcript NM_001388303.1 (MANE Select); coding-DNA position 11328, G replaced by A.
Protein change: p.Pro3776=; no amino-acid change (proline 3776 retained).
Molecular consequence: synonymous variant.
Genome position (GRCh38, 1-based): chr12:112,178,966, C>T on the plus strand (G>A on the coding strand, the complement: HECTD4 is on the minus strand). VCF-style: chr12-112178966-C-T. GRCh37 (hg19) VCF-style: chr12-112616770-C-T.
Other names: c.11358G>A, p.Pro3786= (NM_001109662.4).
Identifiers: ClinVar variation 2643335 (VCV002643335.24), dbSNP rs201363187, ClinGen allele CA6796046.